The following is an entry in ClinVar:

NM_207122.2(EXT2):c.2083C>T (p.Arg695Ter)

Gene: EXT2 (exostosin glycosyltransferase 2; plus strand). Cytogenetic location: 11p11.2.
Variant type: single nucleotide variant.
Coding change: c.2083C>T on transcript NM_207122.2 (MANE Select); coding-DNA position 2083, C replaced by T.
Protein change: p.Arg695Ter; replaces arginine 695 with a stop codon.
Molecular consequence: nonsense.
Genome position (GRCh38, 1-based): chr11:44,244,213, C>T. VCF-style: chr11-44244213-C-T. GRCh37 (hg19) VCF-style: chr11-44265763-C-T.
Other names: c.2182C>T, p.Arg728Ter (NM_000401.3); c.2113C>T, p.Arg705Ter (NM_001178083.3); c.2083C>T, p.Arg695Ter (NM_001389628.1, NM_001389630.1); short protein forms R728*, R695*, R705*.
Identifiers: ClinVar variation 2153088 (VCV002153088.5), dbSNP rs746501704, ClinGen allele CA5955448.

ClinVar aggregate classification (germline): Uncertain significance. Review status: criteria provided, multiple submitters, no conflicts (2 of 4 stars). 2 submissions from 2 submitters: Uncertain significance (2). Last evaluated 2025-06-22.

Conditions:
Exostoses, multiple, type 2 (EXT2). Also called: Hereditary Multiple Osteochondromatosis, Type II; EXOSTOSES, MULTIPLE, TYPE II. Identifiers: Orphanet 321, MedGen C1851413, MONDO:0007586, OMIM 133701.
EXT2-related disorder. Also called: EXT2-related condition.

Allele frequency attached by ClinVar (database versions not stated): ExAC 0.00001; gnomAD exomes 0.00001; gnomAD 0.00003.
gnomAD v4.1: 25 of 1,613,648 alleles (0.0015%); highest among the groups gnomAD compares: African/African-American, 0.0053%; no homozygotes.

Submissions (2):

Labcorp Genetics (formerly Invitae), Labcorp
Classification: Uncertain significance for Exostoses, multiple, type 2. Last evaluated: 2025-06-22. Review status: criteria provided, single submitter. Criteria: Invitae Variant Classification Sherloc (09022015). Collection method: clinical testing. Allele origin: germline.
Comment: This sequence change creates a premature translational stop signal (p.Arg695*) in the EXT2 gene. While this is not anticipated to result in nonsense mediated decay, it is expected to disrupt the last 24 amino acid(s) of the EXT2 protein. This variant is present in population databases (rs746501704, gnomAD 0.007%). This variant has not been reported in the literature in individuals affected with EXT2-related conditions. ClinVar contains an entry for this variant (Variation ID: 2153088). Experimental studies and prediction algorithms are not available or were not evaluated, and the functional significance of this variant is currently unknown. In summary, the available evidence is currently insufficient to determine the role of this variant in disease. Therefore, it has been classified as a Variant of Uncertain Significance.

PreventionGenetics, part of Exact Sciences
Classification: Uncertain significance for EXT2-related condition. Last evaluated: 2023-02-04. Review status: criteria provided, single submitter. Criteria: ACMG Guidelines, 2015. Collection method: clinical testing. Allele origin: germline.
Comment: The EXT2 c.2083C>T variant is predicted to result in premature protein termination (p.Arg695*). This variant occurs within the terminal exon of the EXT2 gene. To our knowledge, this variant has not been reported in the literature. This variant is reported in 0.0062% of alleles in individuals of African descent in gnomAD. Loss of function variants have not been reported downstream of amino acid 695. Although we suspect that this variant may be pathogenic, at this time, the clinical significance of this variant is uncertain due to the absence of conclusive functional and genetic evidence.